The following is an entry in ClinVar:

ClinVar aggregate classification (germline): Likely pathogenic (1 of 4 stars; one submission).

Conditions:
Classic homocystinuria. Also called: Homocystinuria due to CBS deficiency; Cystathionine beta-synthase deficiency; CBS deficiency; Homocystinuria due to Cystathionine Beta-Synthase Deficiency; HOMOCYSTINURIA WITH OR WITHOUT RESPONSE TO PYRIDOXINE. Identifiers: Orphanet 394, MedGen C0751202, MONDO:0009352, OMIM 236200.

Submission:

Myriad Genetics, Inc.
Classification: Likely pathogenic for Classic homocystinuria. Last evaluated: 2022-01-26. Review status: criteria provided, single submitter. Criteria: Myriad Women's Health Autosomal Recessive and X-Linked Classification Criteria (2021). Collection method: clinical testing. Allele origin: unknown.
Comment: NM_000071.2(CBS):c.588delG(R196Sfs*15) is expected to be pathogenic in the context of homocystinuria, CBS-related. This variant is predicted to lead to an abnormal or absent protein product due to the creation of a premature termination codon in CBS, a gene where loss-of-function variants are known to be pathogenic. Please note: this variant was assessed in the context of healthy population screening.

NM_000071.3(CBS):c.588del (p.Arg196fs)

Gene: CBS (cystathionine beta-synthase; minus strand). Cytogenetic location: 21q22.3.
Variant type: Deletion.
Coding change: c.588del on transcript NM_000071.3 (MANE Select); coding-DNA position 588, one base deleted (G; older notation c.588delG).
Protein change: p.Arg196fs; shifts the reading frame from arginine 196.
Molecular consequence: frameshift variant.
Genome position (GRCh38, 1-based): chr21:43,065,465, C deleted on the plus strand (G on the coding strand, the reverse complement: CBS is on the minus strand); the first of 2 consecutive C bases (chr21:43,065,465-43,065,466); deleting either gives the same sequence. VCF-style (leftmost placement, unchanged base first): chr21-43065464-AC-A. GRCh37 (hg19) VCF-style: chr21-44485574-AC-A.
Other names: c.588del, p.Arg196fs (NM_001178008.3, NM_001178009.3, NM_001320298.2); c.273del, p.Arg91fs (NM_001321072.1); short protein forms R196fs, R91fs.
Identifiers: ClinVar variation 1724127 (VCV001724127.2), dbSNP rs2517445243, ClinGen allele CA2580099034.